The following is an entry in ClinVar:

ClinVar aggregate classification (germline): Uncertain significance (1 of 4 stars; one submission).

Submissions (2):

GeneDx
Classification: Uncertain significance. Last evaluated: 2024-07-18. Review status: criteria provided, single submitter. Criteria: GeneDx Variant Classification Process June 2021. Collection method: clinical testing. Allele origin: germline. Affected: yes.
Comment: Not observed at significant frequency in large population cohorts (gnomAD); Has not been previously published as pathogenic or benign to our knowledge; In silico analysis is inconclusive as to whether the variant alters gene splicing. In the absence of RNA/functional studies, the actual effect of this sequence change is unknown.

Dr. Peter K. Rogan Lab, Western University
No classification provided (evidence only). Condition: Squamous cell carcinoma of the head and neck. Review status: no classification provided. Collection method: in vitro. Allele origin: not applicable. Functional consequence: retained intron. Not counted in ClinVar's aggregate classification.

NM_000489.6(ATRX):c.4956G>A (p.Glu1652=)

Gene: ATRX (ATRX chromatin remodeler; minus strand). Cytogenetic location: Xq21.1.
Variant type: single nucleotide variant.
Coding change: c.4956G>A on transcript NM_000489.6 (MANE Select); coding-DNA position 4956, G replaced by A.
Protein change: p.Glu1652=; no amino-acid change (glutamic acid 1652 retained).
Molecular consequence: synonymous variant.
Genome position (GRCh38, 1-based): chrX:77,633,566, C>T on the plus strand (G>A on the coding strand, the complement: ATRX is on the minus strand). VCF-style: chrX-77633566-C-T. GRCh37 (hg19) VCF-style: chrX-76889054-C-T.
Other names: NC_000023.10:g.76889054C>T; c.4842G>A, p.Glu1614= (NM_138270.5).
Identifiers: ClinVar variation 3573868 (VCV003573868.2).